The following is an entry in ClinVar:

NM_006947.4(SRP72):c.958-13G>A

Gene: SRP72 (signal recognition particle 72; plus strand). Cytogenetic location: 4q12.
Variant type: single nucleotide variant.
Coding change: c.958-13G>A on transcript NM_006947.4 (MANE Select); 13 bases into the intron before coding-DNA position 958, G replaced by A.
Molecular consequence: intron variant.
Genome position (GRCh38, 1-based): chr4:56,484,723, G>A. VCF-style: chr4-56484723-G-A. GRCh37 (hg19) VCF-style: chr4-57350889-G-A.
Other names: c.775-13G>A (NM_001267722.2).
Identifiers: ClinVar variation 2822001 (VCV002822001.3), dbSNP rs2545761798, ClinGen allele CA2739270083.

ClinVar aggregate classification (germline): Uncertain significance (1 of 4 stars; one submission).

Submission:

Labcorp Genetics (formerly Invitae), Labcorp
Classification: Uncertain significance. Last evaluated: 2024-01-04. Review status: criteria provided, single submitter. Criteria: Invitae Variant Classification Sherloc (09022015). Collection method: clinical testing. Allele origin: germline.
Comment: This sequence change falls in intron 9 of the SRP72 gene. It does not directly change the encoded amino acid sequence of the SRP72 protein. This variant is not present in population databases (gnomAD no frequency). This variant has not been reported in the literature in individuals affected with SRP72-related conditions. Algorithms developed to predict the effect of sequence changes on RNA splicing suggest that this variant may disrupt the consensus splice site. In summary, the available evidence is currently insufficient to determine the role of this variant in disease. Therefore, it has been classified as a Variant of Uncertain Significance.